The following is an entry in ClinVar:

ClinVar aggregate classification (germline): Likely pathogenic (1 of 4 stars; one submission).

Conditions:
Autosomal recessive limb-girdle muscular dystrophy type 2J (LGMDR10). Also called: MUSCULAR DYSTROPHY, LIMB-GIRDLE, AUTOSOMAL RECESSIVE 10; Limb-girdle muscular dystrophy, type 2J. Identifiers: Orphanet 140922, MedGen C1837342, MONDO:0012127, OMIM 608807.
Dilated cardiomyopathy 1G (CMD1G). Identifiers: Orphanet 154, MedGen C1858763, MONDO:0011400, OMIM 604145.

Submission:

Labcorp Genetics (formerly Invitae), Labcorp
Classification: Likely pathogenic for Dilated cardiomyopathy 1G; Autosomal recessive limb-girdle muscular dystrophy type 2J. Last evaluated: 2026-01-31. Review status: criteria provided, single submitter. Criteria: Invitae Variant Classification Sherloc (09022015). Collection method: clinical testing. Allele origin: germline.
Comment: This sequence change creates a premature translational stop signal (p.Met22072Ilefs*11) in the TTN gene. While this is not anticipated to result in nonsense mediated decay, it is expected to create a truncated TTN protein. This variant is not present in population databases (gnomAD no frequency). This premature translational stop signal has been observed in individual(s) with dilated cardiomyopathy (PMID: 37652022). This variant is located in the A band of TTN (PMID: 25589632). Truncating variants in this region are significantly overrepresented in patients affected with dilated cardiomyopathy (PMID: 25589632). Truncating variants in this region have also been reported in individuals affected with autosomal recessive centronuclear myopathy (PMID: 23975875). In summary, the currently available evidence indicates that the variant is pathogenic, but additional data are needed to prove that conclusively. Therefore, this variant has been classified as Likely Pathogenic.

Literature cited by the submitters: PubMed 37652022; PubMed 25589632; PubMed 23975875.

NM_001267550.2(TTN):c.66215dup (p.Met22072fs)

Genes: TTN-AS1 (TTN antisense RNA 1; plus strand), TTN (titin; minus strand). Cytogenetic location: 2q31.2.
Variant type: Duplication.
Coding change: c.66215dup on transcript NM_001267550.2 (MANE Select); coding-DNA position 66215, one base duplicated (T; older notation c.66215dupT).
Protein change: p.Met22072fs; shifts the reading frame from methionine 22072.
Molecular consequence: frameshift variant.
Genome position (GRCh38, 1-based): chr2:178,582,154, A duplicated on the plus strand (T on the coding strand, the reverse complement: TTN is on the minus strand). VCF-style (leftmost placement, unchanged base first): chr2-178582153-C-CA. GRCh37 (hg19) VCF-style: chr2-179446880-C-CA.
Other names: c.61292dup, p.Met20431fs (NM_001256850.1); c.39020dup, p.Met13007fs (NM_003319.4); c.58511dup, p.Met19504fs (NM_133378.4); c.39395dup, p.Met13132fs (NM_133432.3); c.39596dup, p.Met13199fs (NM_133437.4); short protein forms M13007fs, M22072fs, M19504fs, M13199fs, M13132fs, M20431fs.
Identifiers: ClinVar variation 4794085 (VCV004794085.1).